The following is an entry in ClinVar:

NM_203447.4(DOCK8):c.4019A>G (p.Tyr1340Cys)

Gene: DOCK8 (dedicator of cytokinesis 8; plus strand). Cytogenetic location: 9p24.3.
Variant type: single nucleotide variant.
Coding change: c.4019A>G on transcript NM_203447.4 (MANE Select); coding-DNA position 4019, A replaced by G.
Protein change: p.Tyr1340Cys; replaces tyrosine 1340 with cysteine.
Molecular consequence: missense variant.
Genome position (GRCh38, 1-based): chr9:420,579, A>G. VCF-style: chr9-420579-A-G. GRCh37 (hg19) VCF-style: chr9-420579-A-G.
Other names: c.3719A>G, p.Tyr1240Cys (NM_001190458.2); c.3815A>G, p.Tyr1272Cys (NM_001193536.2); short protein forms Y1272C, Y1340C, Y1240C.
Identifiers: ClinVar variation 372357 (VCV000372357.60), dbSNP rs116920018, ClinGen allele CA4958890.

ClinVar aggregate classification (germline): Conflicting classifications of pathogenicity. Review status: criteria provided, conflicting classifications (1 of 4 stars). 12 submissions from 12 submitters: Uncertain significance (3); Benign (2); Likely benign (6). 1 of the submissions does not count toward it. Last evaluated 2026-02-02.

Conditions:
Combined immunodeficiency due to DOCK8 deficiency (HIES2). Also called: HYPER-IgE RECURRENT INFECTION SYNDROME 2, AUTOSOMAL RECESSIVE; HIES autosomal recessive; HYPER-IgE SYNDROME 2, AUTOSOMAL RECESSIVE, WITH RECURRENT INFECTIONS; DOCK8 Deficiency; Hyper-IgE recurrent infection syndrome, autosomal recessive. Identifiers: Orphanet 217390, MedGen C4722305, MONDO:0009478, OMIM 243700.
DOCK8-related disorder. Also called: DOCK8-related condition.
Intellectual disability. Also called: Intellectual functioning disability; Intellectual developmental disorder; intellectual disabilities. Identifiers: MedGen C3714756, MeSH D008607, MONDO:0001071, HP:0001249.

Allele frequency attached by ClinVar (database versions not stated): 1000 Genomes Project 0.00140; 1000 Genomes Project 30x 0.00141; TOPMed 0.00235; ExAC 0.00253; ESP Exome Variant Server 0.00261; gnomAD exomes 0.00271 and 0.00368; gnomAD 0.00274 and 0.00276.
gnomAD v4.1: 5,768 of 1,614,156 alleles (0.36%); highest among the groups gnomAD compares: Non-Finnish European, 0.41%; 21 homozygotes.

Submissions (18):

Labcorp Genetics (formerly Invitae), Labcorp
Classification: Benign for Combined immunodeficiency due to DOCK8 deficiency. Last evaluated: 2026-02-02. Review status: criteria provided, single submitter. Criteria: Invitae Variant Classification Sherloc (09022015). Collection method: clinical testing. Allele origin: germline.

Genetic Services Laboratory, University of Chicago
Classification: Uncertain significance. Last evaluated: 2025-12-16. Review status: criteria provided, single submitter. Criteria: ACMG Guidelines, 2015. Collection method: clinical testing. Allele origin: germline.
Comment: DNA sequence analysis of the DOCK8 gene demonstrated a sequence change, c.4019A>G, in exon 31 that results in an amino acid change, p.Tyr1340Cys. This sequence change has been described in the gnomAD database with a frequency of 0.65% in the non-Finnish European subpopulation and includes 2 homozygous individuals (dbSNP rs116920018). The p.Tyr1340Cys change affects a highly conserved amino acid residue located in a domain of the DOCK8 protein that is not known to be functional. The p.Tyr1340Cys substitution appears to be deleterious using several in-silico pathogenicity prediction tools (SIFT, PolyPhen2, Align GVGD, REVEL). This sequence change does not appear to have been previously described in individuals with DOCK8-related disorders. Due to insufficient evidences and the lack of functional studies, the clinical significance of the p.Tyr1340Cys change remains unknown at this time.

Blueprint Genetics
Classification: Likely benign. Last evaluated: 2024-11-27. Review status: criteria provided, single submitter. Criteria: ACMG Guidelines, 2015. Collection method: clinical testing. Allele origin: germline.

Mayo Clinic Laboratories, Mayo Clinic
Classification: Likely benign. Last evaluated: 2024-09-13. Review status: criteria provided, single submitter. Criteria: ACMG Guidelines, 2015. Collection method: clinical testing. Allele origin: germline. Observed: 5 variant alleles.
Comment: BS1

Women's Health and Genetics/Laboratory Corporation of America, LabCorp
Classification: Likely benign. Last evaluated: 2023-12-15. Review status: criteria provided, single submitter. Criteria: LabCorp Variant Classification Summary - May 2015. Collection method: clinical testing. Allele origin: germline.
Comment: Variant summary: DOCK8 c.4019A>G (p.Tyr1340Cys) results in a non-conservative amino acid change in the encoded protein sequence. Four of five in-silico tools predict a damaging effect of the variant on protein function. The variant allele was found at a frequency of 0.0036 in 1614156 control chromosomes in the gnomAD database, including 21 homozygotes, strongly suggesting the variant is a benign polymorphism. c.4019A>G has been reported in the literature in the heterozygous state in an individual with some clinical features of Combined Immunodeficiency Due To DOCK8 Deficiency, without strong evidence for causality (Similuk_2022). This report does not provide unequivocal conclusions about association of the variant with Combined Immunodeficiency Due To DOCK8 Deficiency. To our knowledge, no experimental evidence demonstrating an impact on protein function has been reported. The following publication has been ascertained in the context of this evaluation (PMID: 35753512). Eight submitters have cited clinical-significance assessments for this variant to ClinVar after 2014. Four submitters classified the variant as benign/likely benign and four classified it as uncertain significance. Based on the evidence outlined above, the variant was classified as likely benign.

CeGaT Center for Human Genetics Tuebingen
Classification: Likely benign. Last evaluated: 2023-10-01. Review status: criteria provided, single submitter. Criteria: CeGaT Center For Human Genetics Tuebingen Variant Classification Criteria Version 2. Collection method: clinical testing. Allele origin: germline. Affected: yes. Observed: 2 variant alleles.
Comment: DOCK8: BS2

Center for Genomics, Ann and Robert H. Lurie Children's Hospital of Chicago
Classification: Uncertain significance for Combined immunodeficiency due to DOCK8 deficiency. Last evaluated: 2021-03-30. Review status: criteria provided, single submitter. Criteria: ACMG Guidelines, 2015. Collection method: clinical testing. Allele origin: germline.
Comment: DOCK8 NM_203447.3 exon 31 p.Tyr1340Cys (c.4019A>G):This variant has not been reported in the literature but is present in 0.6% (175/25788) of European (Finnish) alleles, including 1 homozygote in the Genome Aggregation Database. This variant is present in ClinVar (Variation ID:372357). Evolutionary conservation and computational predictive tools suggest that this variant may impact the protein. Splice prediction tools suggest that this variant may affect splicing. However, further studies are needed to understand its impact. In summary, data on this variant is insufficient for disease classification. Therefore, the clinical significance of this variant is uncertain.

Cambridge Genomics Laboratory, East Genomic Laboratory Hub, NHS Genomic Medicine Service
Classification: Likely benign for Intellectual disability. Last evaluated: 2019-01-29. Review status: criteria provided, single submitter. Criteria: ACGS Best Practice Guidelines for Variant Classification in Rare Disease 2020. Collection method: clinical testing. Allele origin: germline. Affected: yes. Observed: 1 variant allele.

Illumina Laboratory Services, Illumina
Classification: Benign for Combined immunodeficiency due to DOCK8 deficiency. Last evaluated: 2017-04-27. Review status: criteria provided, single submitter. Criteria: ICSL Variant Classification Criteria 13 December 2019. Collection method: clinical testing. Allele origin: germline.
Comment: This variant was observed as part of a predisposition screen in an ostensibly healthy population. A literature search was performed for the gene, cDNA change, and amino acid change (where applicable). Publications were found based on this search. The evidence from the literature, in combination with allele frequency data from public databases where available, was sufficient to rule this variant out of causing disease. Therefore, this variant is classified as benign.

GeneDx
Classification: Uncertain significance. Last evaluated: 2016-12-08. Review status: criteria provided, single submitter. Criteria: GeneDx Variant Classification (06012015). Collection method: clinical testing. Allele origin: germline. Affected: yes.
Comment: A variant of uncertain significance has been identified in the DOCK8 gene. The Y1272C variant has not been published as a germline pathogenic variant, nor has it been reported as a benign variant to our knowledge. The NHLBI Exome Sequencing Project and the 1000 Genomes Project Consortium report Y1272C was observed in 31/8600 (0.36%) alleles and 3/694 (0.43%) from individuals of European and mixed American ancestry, respectively, indicating it may be a rare variant in these populations. Additionally, the variant has been observed in the homozygous state in two unaffected individuals at GeneDx. However, the Y1272C variant is a non-conservative amino acid substitution, which is likely to impact secondary protein structure as these residues differ in polarity, charge, size and/or other properties. This substitution occurs at a position that is conserved across species, and in silico analysis predicts this variant is probably damaging to the protein structure/function. Therefore, based on the currently available information, it is unclear whether this variant is a pathogenic variant or a rare benign variant.

Laboratory for Molecular Medicine, Mass General Brigham Personalized Medicine
Classification: Likely benign. Last evaluated: 2016-05-20. Review status: criteria provided, single submitter. Criteria: LMM Criteria. Collection method: clinical testing. Allele origin: germline. Observed: 1 variant allele.
Comment: p.Tyr1340Cys in exon 31 of DOCK8: This variant is not expected to have clinical significance because it has been identified in 0.7% (48/6614) of Finnish chromos omes by the Exome Aggregation Consortium (ExAC; dbSNP rs116920018).

PreventionGenetics, part of Exact Sciences
Classification: Likely benign for DOCK8-related condition. Last evaluated: 2020-05-22. Review status: no assertion criteria provided. Collection method: clinical testing. Allele origin: germline. Not counted in ClinVar's aggregate classification.
Comment: This variant is classified as likely benign based on ACMG/AMP sequence variant interpretation guidelines (Richards et al. 2015 PMID: 25741868, with internal and published modifications).

Dr. Peter K. Rogan Lab, Western University
No classification provided (evidence only). Condition: Lung cancer. Review status: no classification provided. Collection method: in vitro. Allele origin: not applicable. Functional consequence: retained intron. Not counted in ClinVar's aggregate classification.

Dr. Peter K. Rogan Lab, Western University
No classification provided (evidence only). Condition: Melanoma. Review status: no classification provided. Collection method: in vitro. Allele origin: not applicable. Functional consequence: retained intron. Not counted in ClinVar's aggregate classification.

Dr. Peter K. Rogan Lab, Western University
No classification provided (evidence only). Condition: Familial cancer of breast. Review status: no classification provided. Collection method: in vitro. Allele origin: not applicable. Functional consequence: retained intron. Not counted in ClinVar's aggregate classification.

Dr. Peter K. Rogan Lab, Western University
No classification provided (evidence only). Condition: Thyroid cancer, nonmedullary, 1. Review status: no classification provided. Collection method: in vitro. Allele origin: not applicable. Functional consequence: retained intron. Not counted in ClinVar's aggregate classification.

Dr. Peter K. Rogan Lab, Western University
No classification provided (evidence only). Condition: Thymoma. Review status: no classification provided. Collection method: in vitro. Allele origin: not applicable. Functional consequence: retained intron. Not counted in ClinVar's aggregate classification.

Dr. Peter K. Rogan Lab, Western University
No classification provided (evidence only). Condition: Ovarian serous cystadenocarcinoma. Review status: no classification provided. Collection method: in vitro. Allele origin: not applicable. Functional consequence: retained intron. Not counted in ClinVar's aggregate classification.

Literature cited by the submitters: PubMed 34662886 (cited by Mayo Clinic Laboratories, Mayo Clinic); PubMed 35753512 (cited by Mayo Clinic Laboratories, Mayo Clinic and Women's Health and Genetics/Laboratory Corporation of America, LabCorp); PubMed 16391785 (cited by Illumina Laboratory Services, Illumina).